The following is an entry in ClinVar:

NM_000342.3(SLC4A1):c.2279G>A (p.Arg760Gln)

Gene: SLC4A1 (solute carrier family 4 member 1 (Diego blood group); minus strand). Cytogenetic location: 17q21.31.
Variant type: single nucleotide variant.
Coding change: c.2279G>A on transcript NM_000342.3; coding-DNA position 2279, G replaced by A.
Protein change: p.Arg760Gln; replaces arginine 760 with glutamine.
Molecular consequence: missense variant (on NM_000342.4).
Genome position (GRCh38, 1-based): chr17:44,253,150, C>T on the plus strand (G>A on the coding strand, the complement: SLC4A1 is on the minus strand). VCF-style: chr17-44253150-C-T. GRCh37 (hg19) VCF-style: chr17-42330518-C-T.
Other names: c.2279G>A, p.Arg760Gln (NM_000342.4); short protein forms R760Q.
Identifiers: ClinVar variation 17780 (VCV000017780.21), dbSNP rs121912755, ClinGen allele CA210834.

ClinVar aggregate classification (germline): Pathogenic/Likely pathogenic. Review status: criteria provided, multiple submitters, no conflicts (2 of 4 stars). 10 submissions from 10 submitters: Pathogenic (4); Likely pathogenic (5). 1 of the submissions does not count toward it. Last evaluated 2025-12-29.

Conditions:
SLC4A1-related disorder. Also called: SLC4A1-related condition; SLC4A1-related disorders.
Autosomal dominant distal renal tubular acidosis (DRTA1). Also called: RENAL TUBULAR ACIDOSIS, DISTAL, 1; RTA, CLASSIC TYPE; RTA, DISTAL TYPE, AUTOSOMAL DOMINANT; RTA, GRADIENT TYPE; Renal Tubular Acidosis, Type I. Identifiers: Orphanet 93608, MedGen CN280572, MONDO:0008368, OMIM 179800.
Renal tubular acidosis, distal, 4, with hemolytic anemia. Also called: Renal Tubular Acidosis, Distal, with Hemolytic Anemia. Identifiers: Orphanet 93610, MedGen C5436235, MONDO:0012700, OMIM 611590.
Cryohydrocytosis. Also called: STOMATOCYTOSIS, COLD-SENSITIVE; Hereditary cryohydrocytosis with normal stomatin; CRYOHYDROCYTOSIS DUE TO BAND 3 HEMEL; CRYOHYDROCYTOSIS DUE TO BAND 3 HURSTPIERPOINT; CRYOHYDROCYTOSIS DUE TO BAND 3 BLACKBURN. Identifiers: Orphanet 398088, MedGen C1861453, MONDO:0008494, OMIM 185020.
BLOOD GROUP--SWANN SYSTEM (SW). Also called: SWANN BLOOD GROUP. Identifiers: MedGen C1832169, OMIM 601550.
BLOOD GROUP, WALDNER (WD). Also called: WALDNER BLOOD GROUP ANTIGEN. Identifiers: MedGen C1862191, OMIM 112010.
BLOOD GROUP--FROESE (FR). Also called: FROESE BLOOD GROUP ANTIGEN. Identifiers: MedGen C1832168, OMIM 601551.
BLOOD GROUP--WRIGHT ANTIGEN (WR). Identifiers: MedGen C1862190, OMIM 112050.
Malaria, susceptibility to. Identifiers: Orphanet 673, MedGen C1970028, MONDO:0021024, OMIM 611162.
BLOOD GROUP--DIEGO SYSTEM (DI). Identifiers: MedGen C1292286, OMIM 110500.
Southeast Asian ovalocytosis. Also called: Elliptocytosis 4; Stomatocytic elliptocytosis, hereditary; Ovalocytosis, Malaysian-Melanesian-Filipino type; HE, STOMATOCYTIC. Identifiers: Orphanet 98868, MedGen C1862322, MONDO:0008165, OMIM 166900.
Hereditary spherocytosis type 4. Also called: SLC4A1-Related Spherocytosis. Identifiers: Orphanet 822, MedGen C2675212, MONDO:0012981, OMIM 612653.

Allele frequency attached by ClinVar (database versions not stated): gnomAD exomes below 0.00001; TOPMed below 0.00001.
gnomAD v4.1: 2 of 1,613,316 alleles (0.00012%); highest among the groups gnomAD compares: South Asian, 0.0011%; no homozygotes.

Submissions (10):

Center for Genomic Medicine, Rigshospitalet, Copenhagen University Hospital
Classification: Pathogenic. Last evaluated: 2025-12-29. Review status: criteria provided, single submitter. Criteria: ACMG Guidelines, 2015. Collection method: clinical testing. Allele origin: germline.

Labcorp Genetics (formerly Invitae), Labcorp
Classification: Pathogenic. Last evaluated: 2025-10-27. Review status: criteria provided, single submitter. Criteria: Invitae Variant Classification Sherloc (09022015). Collection method: clinical testing. Allele origin: germline.
Comment: This sequence change replaces arginine, which is basic and polar, with glutamine, which is neutral and polar, at codon 760 of the SLC4A1 protein (p.Arg760Gln). This variant is not present in population databases (gnomAD no frequency). This missense change has been observed in individuals with spherocytosis (PMID: 7530501, 32641076). ClinVar contains an entry for this variant (Variation ID: 17780). Invitae Evidence Modeling of protein sequence and biophysical properties (such as structural, functional, and spatial information, amino acid conservation, physicochemical variation, residue mobility, and thermodynamic stability) indicates that this missense variant is expected to disrupt SLC4A1 protein function with a positive predictive value of 80%. Experimental studies have shown that this missense change affects SLC4A1 function (PMID: 11208088, 23842529). This variant disrupts the p.Arg760 amino acid residue in SLC4A1. Other variant(s) that disrupt this residue have been determined to be pathogenic (PMID: 7530501, 9012689, 10745622, 31122244). This suggests that this residue is clinically significant, and that variants that disrupt this residue are likely to be disease-causing. For these reasons, this variant has been classified as Pathogenic.

PreventionGenetics, part of Exact Sciences
Classification: Likely pathogenic for SLC4A1-related condition. Last evaluated: 2025-10-02. Review status: criteria provided, single submitter. Criteria: ACMG Guidelines, 2015. Collection method: clinical testing. Allele origin: germline.
Comment: The SLC4A1 c.2279G>A variant is predicted to result in the amino acid substitution p.Arg760Gln. This variant, also referred to as Band 3 Prague II, has been reported in the heterozygous state in individuals with hereditary spherocytosis (see for example: Jarolim et al. 1995. PubMed ID: 7530501; Mansour-Hendili et al. 2020. PubMed ID: 32641076). Functional studies in HEK293 cells suggest this variant negatively impacts cellular trafficking of the protein (Quilty et al. 2000. PubMed ID: 11208088). This variant has not been reported in a large population database (gnomAD), indicating this variant is rare. This variant is interpreted as likely pathogenic.

GeneDx
Classification: Likely pathogenic. Last evaluated: 2025-05-07. Review status: criteria provided, single submitter. Criteria: GeneDx Variant Classification Process June 2021. Collection method: clinical testing. Allele origin: germline. Affected: yes.
Comment: Published functional studies demonstrate a damaging effect on surface expression and cellular trafficking (PMID: 11208088); Not observed at significant frequency in large population cohorts (gnomAD); In silico analysis supports that this missense variant has a deleterious effect on protein structure/function; This variant is associated with the following publications: (PMID: 32641076, 7530501, 11208088, 19258325, 16227998, Cheng2025[CaseReport], 36837738, 23255290)

Institute of Human Genetics, University of Leipzig Medical Center
Classification: Pathogenic for Hereditary spherocytosis type 4. Last evaluated: 2025-03-04. Review status: criteria provided, single submitter. Criteria: ACMG Guidelines, 2015. Collection method: clinical testing. Allele origin: unknown. Inheritance: Autosomal dominant inheritance. Affected: yes.
Comment: Criteria applied: PS4_MOD,PM1,PM5,PM2_SUP,PP2,PP3,PP4

Fulgent Genetics
Classification: Likely pathogenic for BLOOD GROUP--DIEGO SYSTEM; BLOOD GROUP, WALDNER; BLOOD GROUP--WRIGHT ANTIGEN; Southeast Asian ovalocytosis; Autosomal dominant distal renal tubular acidosis; Cryohydrocytosis; BLOOD GROUP--SWANN SYSTEM; BLOOD GROUP--FROESE; Malaria, susceptibility to; Renal tubular acidosis, distal, 4, with hemolytic anemia; Hereditary spherocytosis type 4. Last evaluated: 2024-04-05. Review status: criteria provided, single submitter. Criteria: ACMG Guidelines, 2015. Collection method: clinical testing. Allele origin: germline.

Revvity Omics, Revvity
Classification: Pathogenic. Last evaluated: 2023-11-14. Review status: criteria provided, single submitter. Criteria: ACMG Guidelines, 2015. Collection method: clinical testing. Allele origin: germline.

ARUP Laboratories, Molecular Genetics and Genomics, ARUP Laboratories
Classification: Likely pathogenic. Last evaluated: 2023-04-21. Review status: criteria provided, single submitter. Criteria: ARUP Molecular Germline Variant Investigation Process 2024. Collection method: clinical testing. Allele origin: germline.
Comment: The SLC4A1 c.2279G>A; p.Arg760Gln variant (rs121912755), also known as Band 3 Prague II, is reported in the literature in individuals affected with hereditary spherocytosis (Bruce 2005, Fermo 2021, Jarolim 1995, Van Zwieten 2013, Vercellati 2022, Yawata 2001). This variant is also reported in ClinVar (Variation ID: 17780). Functional analyses show that the variant protein is not incorporated into the cell membrane of erythrocytes and is associated with abnormal membrane permeability and ion fluxes (Bruce 2005, Jarolim 1995, Quilty 2000). This variant is absent from the Genome Aggregation Database, indicating it is not a common polymorphism. Computational analyses predict that this variant is deleterious (REVEL: 0.898). Based on available information, this variant is considered to be likely pathogenic. REFERENCES Bruce LJ et al. Monovalent cation leaks in human red cells caused by single amino-acid substitutions in the transport domain of the band 3 chloride-bicarbonate exchanger, AE1. Nature genetics. 2005 Nov. PMID: 16227998 Fermo E et al. Targeted Next Generation Sequencing and Diagnosis of Congenital Hemolytic Anemias: A Three Years Experience Monocentric Study. Front Physiol. 2021 PMID: 34093240 Jarolim P et al. Mutations of conserved arginines in the membrane domain of erythroid band 3 lead to a decrease in membrane-associated band 3 and to the phenotype of hereditary spherocytosis. Blood. 1995 Feb 1. PMID: 7530501 Quilty JA et al. Trafficking and folding defects in hereditary spherocytosis mutants of the human red cell anion exchanger. Traffic. 2000 Dec. PMID: 11208088 Van Zwieten R et al. Hereditary spherocytosis due to band 3 deficiency: 15 novel mutations in SLC4A1. Am J Hematol. 2013 Feb. PMID: 23255290 Vercellati C et al. Effect of primary lesions in cytoskeleton proteins on red cell membrane stability in patients with hereditary spherocytosis. Front Physiol. 2022 PMID: 36035481 Yawata Y et al. Hereditary Red Cell Membrane Disorders in Japan: Their Genotypic and Phenotypic Features in 1014 Cases Studied. Hematology. 2001 PMID: 27405697

Juno Genomics, Hangzhou Juno Genomics, Inc
Classification: Likely pathogenic for BLOOD GROUP--DIEGO SYSTEM; BLOOD GROUP--FROESE; BLOOD GROUP--SWANN SYSTEM; BLOOD GROUP, WALDNER; BLOOD GROUP--WRIGHT ANTIGEN; Malaria, susceptibility to; Cryohydrocytosis; Autosomal dominant distal renal tubular acidosis; Renal tubular acidosis, distal, 4, with hemolytic anemia; Southeast Asian ovalocytosis; Hereditary spherocytosis type 4. Review status: criteria provided, single submitter. Criteria: ACMG Guidelines, 2015. Collection method: clinical testing. Allele origin: germline.
Comment: Absent from controls (or at extremely low frequency if recessive) in Genome Aggregation Database.;Well-established in vitro or in vivo functional studies supportive of a damaging effect on the gene or gene product.;The prevalence of the variant in affected individuals is significantly increased compared to the prevalence in controls.;Patient's phenotype or family history is highly specific for a disease with a single genetic etiology.

OMIM
Classification: Pathogenic for SPHEROCYTOSIS, TYPE 4, DUE TO BAND 3 PRAGUE II. Last evaluated: 2005-11-01. Review status: no assertion criteria provided. Collection method: literature only. Allele origin: germline. Not counted in ClinVar's aggregate classification.

Literature cited by the submitters: PubMed 16227998 (cited by Center for Genomic Medicine, Rigshospitalet, Copenhagen University Hospital and OMIM); PubMed 11208088 (cited by Center for Genomic Medicine, Rigshospitalet, Copenhagen University Hospital and Labcorp Genetics (formerly Invitae), Labcorp); PubMed 32641076 (cited by Center for Genomic Medicine, Rigshospitalet, Copenhagen University Hospital and Labcorp Genetics (formerly Invitae), Labcorp); PubMed 7530501 (cited by Labcorp Genetics (formerly Invitae), Labcorp and OMIM); PubMed 23842529 (cited by Labcorp Genetics (formerly Invitae), Labcorp); PubMed 9012689 (cited by Labcorp Genetics (formerly Invitae), Labcorp); PubMed 10745622 (cited by Labcorp Genetics (formerly Invitae), Labcorp); PubMed 31122244 (cited by Labcorp Genetics (formerly Invitae), Labcorp); Gore, D. M., Chetty, M. C., Coles, S. C., Gover, P. M., Stewart G. W. Hereditary spherocytosis with a low temperature Na/K leak and thrombosis. (Abstract) Brit. J. Haemat. 117 Suppl 1: 9-10, 2002. (cited by OMIM).